The following is an entry in ClinVar:

ClinVar aggregate classification (germline): Uncertain significance (1 of 4 stars; one submission).

Conditions:
Developmental and epileptic encephalopathy, 11 (DEE11). Also called: Early infantile epileptic encephalopathy 11. Identifiers: Orphanet 1934, MedGen C3150987, MONDO:0013388, OMIM 613721.
Seizures, benign familial infantile, 3 (BFIS3). Also called: Familial neonatal seizures; CONVULSIONS, BENIGN FAMILIAL INFANTILE, 3. Identifiers: Orphanet 140927, Orphanet 306, MedGen C1843140, MONDO:0011904, OMIM 607745.

Submission:

Labcorp Genetics (formerly Invitae), Labcorp
Classification: Uncertain significance for Seizures, benign familial infantile, 3; Developmental and epileptic encephalopathy, 11. Last evaluated: 2023-09-27. Review status: criteria provided, single submitter. Criteria: Invitae Variant Classification Sherloc (09022015). Collection method: clinical testing. Allele origin: germline.
Comment: In summary, the available evidence is currently insufficient to determine the role of this variant in disease. Therefore, it has been classified as a Variant of Uncertain Significance. Advanced modeling of protein sequence and biophysical properties (such as structural, functional, and spatial information, amino acid conservation, physicochemical variation, residue mobility, and thermodynamic stability) performed at Invitae indicates that this missense variant is expected to disrupt SCN2A protein function. This variant has not been reported in the literature in individuals affected with SCN2A-related conditions. This variant is not present in population databases (gnomAD no frequency). This sequence change replaces alanine, which is neutral and non-polar, with proline, which is neutral and non-polar, at codon 1860 of the SCN2A protein (p.Ala1860Pro).

NM_001040142.2(SCN2A):c.5578G>C (p.Ala1860Pro)

Gene: SCN2A (sodium voltage-gated channel alpha subunit 2; plus strand). Cytogenetic location: 2q24.3.
Variant type: single nucleotide variant.
Coding change: c.5578G>C on transcript NM_001040142.2 (MANE Select); coding-DNA position 5578, G replaced by C.
Protein change: p.Ala1860Pro; replaces alanine 1860 with proline.
Molecular consequence: missense variant.
Genome position (GRCh38, 1-based): chr2:165,389,384, G>C. VCF-style: chr2-165389384-G-C. GRCh37 (hg19) VCF-style: chr2-166245894-G-C.
Other names: c.5578G>C, p.Ala1860Pro (NM_001040143.2, NM_001371246.1, NM_001371247.1 and 1 more transcripts); short protein forms A1860P.
Identifiers: ClinVar variation 2952310 (VCV002952310.3), dbSNP rs2468159690, ClinGen allele CA349039416.